The following is an entry in ClinVar:

ClinVar aggregate classification (germline): Benign/Likely benign. Review status: criteria provided, multiple submitters, no conflicts (2 of 4 stars). 13 submissions from 13 submitters: Benign (4); Likely benign (5). 4 of the submissions do not count toward it. Last evaluated 2026-09-01.

Conditions:
PKD1-related disorder. Also called: PKD1-related condition.
Autosomal dominant polycystic kidney disease. Identifiers: Orphanet 730, MedGen C0085413, MONDO:0004691.
Polycystic kidney disease, adult type (PKD1). Also called: POLYCYSTIC KIDNEY DISEASE, ADULT, TYPE I; Polycystic Kidney, Autosomal Dominant; Polycystic Kidney Disease 1, Autosomal Dominant; Polycystic kidney disease 1; Polycystic kidney disease 1, severe; POLYCYSTIC KIDNEY DISEASE 1 WITH OR WITHOUT POLYCYSTIC LIVER DISEASE. Identifiers: MedGen C3149841, MONDO:0008263, OMIM 173900.
Polycystic kidney disease. Also called: Kidney, Polycystic; Polycystic kidney dysplasia. Identifiers: MedGen C0022680, MeSH D007690, MONDO:0020642, HP:0000113.

Allele frequency attached by ClinVar (database versions not stated): 1000 Genomes Project 0.00240; 1000 Genomes Project 30x 0.00312; TOPMed 0.00544; ExAC 0.00564; ESP Exome Variant Server 0.00595; gnomAD exomes 0.00611 and 0.00752; gnomAD 0.00622 and 0.00642.
gnomAD v4.1: 11,835 of 1,610,450 alleles (0.73%); highest among the groups gnomAD compares: Non-Finnish European, 0.84%; 62 homozygotes.

Submissions (17):

CeGaT Center for Human Genetics Tuebingen
Classification: Likely benign. Last evaluated: 2026-09-01. Review status: criteria provided, single submitter. Criteria: CeGaT Center For Human Genetics Tuebingen Variant Classification Criteria Version 2. Collection method: clinical testing. Allele origin: germline. Affected: yes. Observed: 19 variant alleles.
Comment: PKD1: BS2

Women's Health and Genetics/Laboratory Corporation of America, LabCorp
Classification: Likely benign. Last evaluated: 2026-06-30. Review status: criteria provided, single submitter. Criteria: LabCorp Variant Classification Summary - May 2015. Collection method: clinical testing. Allele origin: germline.
Comment: Variant summary: PKD1 c.8440G>A (p.Gly2814Arg) results in a non-conservative amino acid change in the encoded protein sequence. Algorithms developed to predict the effect of missense changes on protein structure and function are either unavailable or do not agree on the potential impact of this missense change. The variant allele was found at a frequency of 0.0061 in 248758 control chromosomes in the gnomAD database, including 7 homozygotes. The observed variant frequency exceeds the estimated maximal expected allele frequency for disease-causing variants in PKD1. c.8440G>A has been observed in individuals affected with autosomal dominant polycystic kidney disease, without strong evidence of causality (example: Inoue_2002, Garcia-Gonzalez_2007, Tan_2014, Mallawaarachchi_2021). These reports do not provide unequivocal conclusions about association of the variant with disease. Co-occurrences with other pathogenic variants have been reported (PKD1 p.Glu2810Ter, p.Arg611Trp, p.Ile3109fs), providing supporting evidence for a benign role. To our knowledge, no experimental evidence demonstrating an impact on protein function has been reported. The following publications have been ascertained in the context of this evaluation (PMID: 17574468, 12007219, 33437033, 24374109). ClinVar contains an entry for this variant (Variation ID: 257021). Based on the evidence outlined above, the variant was classified as likely benign.

Blueprint Genetics
Classification: Benign. Last evaluated: 2024-11-27. Review status: criteria provided, single submitter. Criteria: ACMG Guidelines, 2015. Collection method: clinical testing. Allele origin: germline.

Mayo Clinic Laboratories, Mayo Clinic
Classification: Benign. Last evaluated: 2023-04-17. Review status: criteria provided, single submitter. Criteria: ACMG Guidelines, 2015. Collection method: clinical testing. Allele origin: germline. Observed: 10 variant alleles.
Comment: BS1, BS2, BP4

Fulgent Genetics
Classification: Likely benign for Polycystic kidney disease, adult type. Last evaluated: 2021-09-13. Review status: criteria provided, single submitter. Criteria: ACMG Guidelines, 2015. Collection method: clinical testing. Allele origin: unknown.

GeneDx
Classification: Benign. Last evaluated: 2020-03-10. Review status: criteria provided, single submitter. Criteria: GeneDx Variant Classification Process June 2021. Collection method: clinical testing. Allele origin: germline. Affected: yes.
Comment: This variant is associated with the following publications: (PMID: 17574468, 12007219, 24374109, 18837007)

Molecular Genetics of Inherited Kidney Disorders Laboratory, Garvan Institute of Medical Research
Classification: Likely benign for Autosomal dominant polycystic kidney disease. Last evaluated: 2019-01-01. Review status: criteria provided, single submitter. Criteria: ACMG Guidelines, 2015. Collection method: research. Allele origin: germline. Affected: yes.

ARUP Laboratories, Molecular Genetics and Genomics, ARUP Laboratories
Classification: Benign for Polycystic kidney disease, adult type. Last evaluated: 2018-07-26. Review status: criteria provided, single submitter. Criteria: ARUP Molecular Germline Variant Investigation Process. Collection method: clinical testing. Allele origin: germline.

Breakthrough Genomics
Classification: Likely benign. Review status: criteria provided, single submitter. Criteria: ACMG Guidelines, 2015. Collection method: not provided. Allele origin: germline. Inheritance: Autosomal dominant inheritance. Affected: yes.

PreventionGenetics, part of Exact Sciences
Classification: Benign for PKD1-related condition. Last evaluated: 2019-09-05. Review status: no assertion criteria provided. Collection method: clinical testing. Allele origin: germline. Not counted in ClinVar's aggregate classification.
Comment: This variant is classified as benign based on ACMG/AMP sequence variant interpretation guidelines (Richards et al. 2015 PMID: 25741868, with internal and published modifications).

Department of Pathology and Laboratory Medicine, Sinai Health System
Classification: Likely benign for Polycystic Kidney disease. Review status: no assertion criteria provided. Collection method: clinical testing. Allele origin: unknown. Affected: yes. Observed: 1 variant allele. Study: The Canadian Open Genetics Repository (COGR). Not counted in ClinVar's aggregate classification.
Comment: The PKD1 p.Gly2814Arg variant was identified in 29 of 1202 proband chromosomes (frequency: 0.024) from individuals or families with ADPKD (Garcia-Gonzalez 2007, Inoue 2002, Rossetti 2001, Rossetti 2002, Rossetti 2012, Tan 2008). The variant was also identified in dbSNP (ID: rs149151043) as "With other allele ", ClinVar (classified as benign by ARUP and Prevention Genetics), LOVD 3.0 (2x as benign or with unknown effect), and in ADPKD Mutation Database (likely neutral). The variant was not identified in COGR, or PKD1-LOVD databases. The variant was identified in control databases in 1715 of 275482 chromosomes (7 homozygous) at a frequency of 0.006 increasing the likelihood this could be a low frequency benign variant (Genome Aggregation Database Feb 27, 2017). The variant was observed in the following populations: African in 34 of 23822 chromosomes (freq: 0.0014), Other in 43 of 6430 chromosomes (freq: 0.0066), Latino in 146 of 34410 chromosomes (freq: 0.004), European in 1016 of 125388 chromosomes (freq: 0.008), Ashkenazi Jewish in 4 of 10094 chromosomes (freq: 0.00039), East Asian in 9 of 18840 chromosomes (freq: 0.00047), Finnish in 458 of 25724 chromosomes (freq: 0.017), and South Asian in 5 of 30774 chromosomes (freq: 0.00016). In addition we cannot be certain that data from control databases is specific to PKD1 and not from one of the six PKD1 pseudogenes. The p.Gly2814 residue is not conserved in mammals and computational analyses (PolyPhen-2, SIFT, AlignGVGD, BLOSUM, MutationTaster) provide inconsistent predictions regarding the impact to the protein; this information is not very predictive of pathogenicity. The variant occurs outside of the splicing consensus sequence and 1 of 4 in silico or computational prediction software programs (SpliceSiteFinder, MaxEntScan, NNSPLICE, GeneSplicer) predict a greater than 10% difference in splicing; this is not very predictive of pathogenicity. In addition, the variant was identified with a co-occurring pathogenic PKD1 or PKD2 variants (PKD1 p.Glu2810*, p.Ile3109fs*, c.7704-1G>T; and PKD2 p.Arg872*), increasing the likelihood that the p.Gly2814Arg variant does not have clinical significance (Garcia-Gonzalez 2007). In summary, based on the above information the clinical significance of this variant cannot be determined with certainty at this time although we would lean towards a more benign role for this variant. This variant is classified as likely benign.

Dr. Peter K. Rogan Lab, Western University
No classification provided (evidence only). Condition: Lung cancer. Review status: no classification provided. Collection method: in vitro. Allele origin: not applicable. Functional consequence: retained intron. Not counted in ClinVar's aggregate classification.

Dr. Peter K. Rogan Lab, Western University
No classification provided (evidence only). Condition: Lung cancer. Review status: no classification provided. Collection method: in vitro. Allele origin: not applicable. Functional consequence: retained intron. Not counted in ClinVar's aggregate classification.

Dr. Peter K. Rogan Lab, Western University
No classification provided (evidence only). Condition: Cholangiocarcinoma. Review status: no classification provided. Collection method: in vitro. Allele origin: not applicable. Functional consequence: retained intron. Not counted in ClinVar's aggregate classification.

Dr. Peter K. Rogan Lab, Western University
No classification provided (evidence only). Condition: Ovarian serous cystadenocarcinoma. Review status: no classification provided. Collection method: in vitro. Allele origin: not applicable. Functional consequence: retained intron. Not counted in ClinVar's aggregate classification.

Genome Diagnostics Laboratory, University Medical Center Utrecht
Classification: Benign. Review status: no assertion criteria provided. Collection method: clinical testing. Allele origin: germline. Affected: yes. Study: VKGL Data-share Consensus. Not counted in ClinVar's aggregate classification.

Laboratory of Diagnostic Genome Analysis, Leiden University Medical Center (LUMC)
Classification: Benign. Review status: no assertion criteria provided. Collection method: clinical testing. Allele origin: germline. Affected: yes. Study: VKGL Data-share Consensus. Not counted in ClinVar's aggregate classification.

Literature cited by the submitters: PubMed 33437033 (cited by Women's Health and Genetics/Laboratory Corporation of America, LabCorp); PubMed 17574468 (cited by Women's Health and Genetics/Laboratory Corporation of America, LabCorp); PubMed 12007219 (cited by Women's Health and Genetics/Laboratory Corporation of America, LabCorp); PubMed 24374109 (cited by Women's Health and Genetics/Laboratory Corporation of America, LabCorp).

NM_001009944.3(PKD1):c.8440G>A (p.Gly2814Arg)

Gene: PKD1 (polycystin 1, transient receptor potential channel interacting; minus strand). Cytogenetic location: 16p13.3.
Variant type: single nucleotide variant.
Coding change: c.8440G>A on transcript NM_001009944.3 (MANE Select); coding-DNA position 8440, G replaced by A.
Protein change: p.Gly2814Arg; replaces glycine 2814 with arginine.
Molecular consequence: missense variant.
Genome position (GRCh38, 1-based): chr16:2,103,617, C>T on the plus strand (G>A on the coding strand, the complement: PKD1 is on the minus strand). VCF-style: chr16-2103617-C-T. GRCh37 (hg19) VCF-style: chr16-2153618-C-T.
Other names: c.8440G>A, p.Gly2814Arg (NM_000296.4); short protein forms G2814R.
Identifiers: ClinVar variation 257021 (VCV000257021.46), dbSNP rs149151043, ClinGen allele CA7830519.